The following is an entry in ClinVar:

NM_000138.5(FBN1):c.5736C>G (p.Phe1912Leu)

Gene: FBN1 (fibrillin 1; minus strand). Cytogenetic location: 15q21.1.
Variant type: single nucleotide variant.
Coding change: c.5736C>G on transcript NM_000138.5 (MANE Select); coding-DNA position 5736, C replaced by G.
Protein change: p.Phe1912Leu; replaces phenylalanine 1912 with leucine.
Molecular consequence: missense variant.
Genome position (GRCh38, 1-based): chr15:48,446,758, G>C on the plus strand (C>G on the coding strand, the complement: FBN1 is on the minus strand). VCF-style: chr15-48446758-G-C. GRCh37 (hg19) VCF-style: chr15-48738955-G-C.
Other names: short protein forms F1912L.
Identifiers: ClinVar variation 527208 (VCV000527208.8), dbSNP rs1555395829, ClinGen allele CA392341224.
Genomic context (GRCh38, chr15:48,446,758, plus strand): 5'-ACACGCACCTATACAGTCATTGTTGTGAGAAAGGATGAAACCATGATTGCAGCGGCAGTT[G>C]AAGGAACCAATTGTGTTCCGGCAAGTTCCATTCCCACAGGCATCTCTTTCACATTCATTT-3'
Protein context (NP_000129.3, residues 1902-1922): NGTCRNTIGS[Phe1912Leu]NCRCNHGFIL

ClinVar aggregate classification (germline): Uncertain significance (1 of 4 stars; one submission).

Conditions:
Familial thoracic aortic aneurysm and aortic dissection (TAAD). Also called: Thoracic aortic aneurysms and dissections. Identifiers: Orphanet 91387, MedGen C4707243, MONDO:0019625.
Marfan syndrome (MFS). Also called: Marfan syndrome type 1; Marfan syndrome, classic; Marfan's syndrome; FBN1-Related Marfan Syndrome; MARFAN SYNDROME, TYPE I. Identifiers: Orphanet 284963, Orphanet 558, MedGen C0024796, MONDO:0007947, OMIM 154700.

Submission:

Labcorp Genetics (formerly Invitae), Labcorp
Classification: Uncertain significance for Marfan syndrome; Familial thoracic aortic aneurysm and aortic dissection. Last evaluated: 2017-12-13. Review status: criteria provided, single submitter. Criteria: Invitae Variant Classification Sherloc (09022015). Collection method: clinical testing. Allele origin: germline.
Comment: This sequence change replaces phenylalanine with leucine at codon 1912 of the FBN1 protein (p.Phe1912Leu). The phenylalanine residue is moderately conserved and there is a small physicochemical difference between phenylalanine and leucine. This variant is not present in population databases (ExAC no frequency). This variant has not been reported in the literature in individuals with FBN1-related disease. Algorithms developed to predict the effect of missense changes on protein structure and function do not agree on the potential impact of this missense change (SIFT: "Deleterious"; PolyPhen-2: "Benign"; Align-GVGD: "Class C0"). In summary, the available evidence is currently insufficient to determine the role of this variant in disease. Therefore, it has been classified as a Variant of Uncertain Significance.